The following is an entry in ClinVar:

ClinVar aggregate classification (germline): Conflicting classifications of pathogenicity. Review status: criteria provided, conflicting classifications (1 of 4 stars). 11 submissions from 11 submitters: Uncertain significance (9); Likely benign (1). 1 of the submissions does not count toward it. Last evaluated 2025-11-23.

Conditions:
ANK3-related disorder. Also called: ANK3-related condition.
Inborn genetic diseases. Identifiers: MedGen C0950123, MeSH D030342.
Intellectual developmental disorder, autosomal recessive 37. Also called: Intellectual disability-hypotonia-spasticity-sleep disorder syndrome. Identifiers: Orphanet 356996, MedGen C3809672, MONDO:0014210, OMIM 615493.

Allele frequency attached by ClinVar (database versions not stated): 1000 Genomes Project 30x 0.00016; 1000 Genomes Project 0.00020; gnomAD 0.00056 and 0.00060; TOPMed 0.00060; gnomAD exomes 0.00062 and 0.00065; ExAC 0.00068; ESP Exome Variant Server 0.00100.

Submissions (12):

Labcorp Genetics (formerly Invitae), Labcorp
Classification: Uncertain significance. Last evaluated: 2025-11-23. Review status: criteria provided, single submitter. Criteria: Invitae Variant Classification Sherloc (09022015). Collection method: clinical testing. Allele origin: germline.
Comment: This sequence change replaces lysine, which is basic and polar, with arginine, which is basic and polar, at codon 1467 of the ANK3 protein (p.Lys1467Arg). This variant is present in population databases (rs139982397, gnomAD 0.1%), and has an allele count higher than expected for a pathogenic variant. This variant has not been reported in the literature in individuals affected with ANK3-related conditions. ClinVar contains an entry for this variant (Variation ID: 210160). Invitae Evidence Modeling of protein sequence and biophysical properties (such as structural, functional, and spatial information, amino acid conservation, physicochemical variation, residue mobility, and thermodynamic stability) indicates that this missense variant is expected to disrupt ANK3 protein function with a positive predictive value of 80%. In summary, the available evidence is currently insufficient to determine the role of this variant in disease. Therefore, it has been classified as a Variant of Uncertain Significance.

Dasa
Classification: Uncertain significance. Last evaluated: 2025-02-12. Review status: criteria provided, single submitter. Criteria: DASA Assertion Criteria. Collection method: clinical testing. Allele origin: germline.
Comment: NM_020987.5(ANK3):c.4400A>G (p.Lys1467Arg) is a missense variant that results in the substitution of lysine with arginine. This variant is rare in population databases. Computational prediction algorithms are consistent with a benign effect. The currently available literature and clinical evidence are not sufficient to establish a definitive association between this variant and the reported condition. Therefore, this variant is classified as a variant of uncertain significance.

Blueprint Genetics
Classification: Uncertain significance. Last evaluated: 2024-11-04. Review status: criteria provided, single submitter. Criteria: ACMG Guidelines, 2015. Collection method: clinical testing. Allele origin: germline.

Victorian Clinical Genetics Services, Murdoch Childrens Research Institute
Classification: Uncertain significance for Intellectual developmental disorder, autosomal recessive 37. Last evaluated: 2024-10-10. Review status: criteria provided, single submitter. Criteria: ACMG Guidelines, 2015. Collection method: clinical testing. Allele origin: germline. Inheritance: Autosomal recessive inheritance. Affected: yes.
Comment: Based on the classification scheme VCGS_Germline_v1.3.5, this variant is classified as VUS-3B. Following criteria are met: 0102 - Loss of function is a known mechanism of disease in this gene and is associated with intellectual developmental disorder 37 (MIM#615493). (I) 0108 - This gene is associated with both recessive and dominant disease (PMID: 23390136, 26539891, 28687526, 34218362). (I) 0200 - Variant is predicted to result in a missense amino acid change from lysine to arginine. (I) 0251 - This variant is heterozygous. (I) 0304 - Variant is present in gnomAD <0.01 (v4) (1027 heterozygotes, 0 homozygotes). (SP) 0502 - Missense variant with conflicting in silico predictions and high conservation. (I) 0604 - Variant is not located in an established domain, motif, hotspot or informative constraint region. (I) 0705 - No comparable missense variants have previous evidence for pathogenicity. (I) 0808 - Previous reports of pathogenicity for this variant are conflicting. This variant has been reported five times as a VUS and once as likely benign (ClinVar). (I) 0905 - No published segregation evidence has been identified for this variant. (I) 1007 - No published functional evidence has been identified for this variant. (I) Legend: (SP) - Supporting pathogenic, (I) - Information, (SB) - Supporting benign

Ambry Genetics
Classification: Likely benign for Inborn genetic diseases. Last evaluated: 2024-01-24. Review status: criteria provided, single submitter. Criteria: Ambry Variant Classification Scheme 2023. Collection method: clinical testing. Allele origin: germline.

Daryl Scott Lab, Baylor College of Medicine
Classification: Uncertain significance for Intellectual developmental disorder, autosomal recessive 37. Last evaluated: 2023-11-10. Review status: criteria provided, single submitter. Criteria: ACMG Guidelines, 2015. Collection method: clinical testing. Allele origin: biparental.

GeneDx
Classification: Uncertain significance. Last evaluated: 2019-09-24. Review status: criteria provided, single submitter. Criteria: GeneDx Variant Classification Process June 2021. Collection method: clinical testing. Allele origin: germline. Affected: yes.
Comment: Has not been previously published as pathogenic or benign to our knowledge; In silico analysis, which includes protein predictors and evolutionary conservation, supports that this variant does not alter protein structure/function

Fulgent Genetics
Classification: Uncertain significance for Intellectual developmental disorder, autosomal recessive 37. Last evaluated: 2018-10-31. Review status: criteria provided, single submitter. Criteria: ACMG Guidelines, 2015. Collection method: clinical testing. Allele origin: unknown.

Genetic Services Laboratory, University of Chicago
Classification: Uncertain significance. Last evaluated: 2014-12-19. Review status: criteria provided, single submitter. Criteria: ACMG Guidelines, 2015. Collection method: clinical testing. Allele origin: germline.

Breakthrough Genomics
Classification: Uncertain significance. Review status: criteria provided, single submitter. Criteria: ACMG Guidelines, 2015. Collection method: not provided. Allele origin: germline. Inheritance: Autosomal recessive inheritance. Affected: yes.

PreventionGenetics, part of Exact Sciences
Classification: Uncertain significance for ANK3-related condition. Last evaluated: 2024-04-22. Review status: no assertion criteria provided. Collection method: clinical testing. Allele origin: germline. Not counted in ClinVar's aggregate classification.
Comment: The ANK3 c.4400A>G variant is predicted to result in the amino acid substitution p.Lys1467Arg. To our knowledge, this variant has not been reported in the literature. This variant is reported in 0.12% of alleles in individuals of South Asian descent in gnomAD, which may be too frequent to be a primary cause of disease. Although we suspect that this variant may be benign, at this time, the clinical significance of this variant is uncertain due to the absence of conclusive functional and genetic evidence.

Dr. Peter K. Rogan Lab, Western University
No classification provided (evidence only). Condition: Gastric cancer. Review status: no classification provided. Collection method: in vitro. Allele origin: not applicable. Functional consequence: retained intron. Not counted in ClinVar's aggregate classification.

Literature cited by the submitters: PubMed 23390136 (cited by Victorian Clinical Genetics Services, Murdoch Childrens Research Institute); PubMed 26539891 (cited by Victorian Clinical Genetics Services, Murdoch Childrens Research Institute); PubMed 28687526 (cited by Victorian Clinical Genetics Services, Murdoch Childrens Research Institute); PubMed 34218362 (cited by Victorian Clinical Genetics Services, Murdoch Childrens Research Institute).

NM_020987.5(ANK3):c.4400A>G (p.Lys1467Arg)

Gene: ANK3 (ankyrin 3; minus strand). Cytogenetic location: 10q21.2.
Variant type: single nucleotide variant.
Coding change: c.4400A>G on transcript NM_020987.5 (MANE Select); coding-DNA position 4400, A replaced by G.
Protein change: p.Lys1467Arg; replaces lysine 1467 with arginine.
Molecular consequence: missense variant.
Genome position (GRCh38, 1-based): chr10:60,080,569, T>C on the plus strand (A>G on the coding strand, the complement: ANK3 is on the minus strand). VCF-style: chr10-60080569-T-C. GRCh37 (hg19) VCF-style: chr10-61840327-T-C.
Other names: c.4400A>G (NM_020987.4); c.1775A>G, p.Lys592Arg (NM_001149.4); c.4355A>G, p.Lys1452Arg (NM_001204403.2); c.4376A>G, p.Lys1459Arg (NM_001204404.2); c.4373A>G, p.Lys1458Arg (NM_001320874.2); short protein forms K1452R, K1467R, K1458R, K1459R, K592R.
Identifiers: ClinVar variation 210160 (VCV000210160.22), dbSNP rs139982397, ClinGen allele CA207101.